The following is an entry in ClinVar:

ClinVar aggregate classification (germline): Benign/Likely benign. Review status: criteria provided, multiple submitters, no conflicts (2 of 4 stars). 5 submissions from 5 submitters: Benign (3); Likely benign (1). 1 of the submissions does not count toward it. Last evaluated 2026-02-04.

Conditions:
CETP-related disorder. Also called: CETP-related condition.
Hyperalphalipoproteinemia 1 (HALP1). Also called: CETP-Related Hyperalphalipoproteinemia; CETP DEFICIENCY. Identifiers: MedGen C3149462, OMIM 143470.

Allele frequency attached by ClinVar (database versions not stated): gnomAD exomes 0.00315 and 0.00156; ExAC 0.00316; 1000 Genomes Project 30x 0.00687; ESP Exome Variant Server 0.00092; gnomAD 0.00148 and 0.00160; TOPMed 0.00184; 1000 Genomes Project 0.00719.
gnomAD v4.1: 2,629 of 1,614,174 alleles (0.16%); highest among the groups gnomAD compares: East Asian, 1.9%; 36 homozygotes.

Submissions (5):

Labcorp Genetics (formerly Invitae), Labcorp
Classification: Benign. Last evaluated: 2026-02-04. Review status: criteria provided, single submitter. Criteria: Invitae Variant Classification Sherloc (09022015). Collection method: clinical testing. Allele origin: germline.

Mayo Clinic Laboratories, Mayo Clinic
Classification: Benign. Last evaluated: 2025-01-13. Review status: criteria provided, single submitter. Criteria: ACMG Guidelines, 2015. Collection method: clinical testing. Allele origin: germline. Observed: 2 variant alleles.
Comment: BS1, BS2, BP4, BP7

GeneDx
Classification: Likely benign. Last evaluated: 2021-05-06. Review status: criteria provided, single submitter. Criteria: GeneDx Variant Classification Process June 2021. Collection method: clinical testing. Allele origin: germline. Affected: yes.
Comment: See Variant Classification Assertion Criteria.

Illumina Laboratory Services, Illumina
Classification: Benign for Hyperalphalipoproteinemia 1. Last evaluated: 2018-01-12. Review status: criteria provided, single submitter. Criteria: ICSL Variant Classification Criteria 13 December 2019. Collection method: clinical testing. Allele origin: germline.
Comment: This variant was observed in the ICSL laboratory as part of a predisposition screen in an ostensibly healthy population. It had not been previously curated by ICSL or reported in the Human Gene Mutation Database (HGMD: prior to June 1st, 2018), and was therefore a candidate for classification through an automated scoring system. Utilizing variant allele frequency, disease prevalence and penetrance estimates, and inheritance mode, an automated score was calculated to assess if this variant is too frequent to cause the disease. Based on the score and internal cut-off values, a variant classified as benign is not then subjected to further curation. The score for this variant resulted in a classification of benign for this disease.

PreventionGenetics, part of Exact Sciences
Classification: Benign for CETP-related condition. Last evaluated: 2024-06-20. Review status: no assertion criteria provided. Collection method: clinical testing. Allele origin: germline. Not counted in ClinVar's aggregate classification.
Comment: This variant is classified as benign based on ACMG/AMP sequence variant interpretation guidelines (Richards et al. 2015 PMID: 25741868, with internal and published modifications).

NM_000078.3(CETP):c.534G>A (p.Gly178=)

Gene: CETP (cholesteryl ester transfer protein; plus strand). Cytogenetic location: 16q13.
Variant type: single nucleotide variant.
Coding change: c.534G>A on transcript NM_000078.3 (MANE Select); coding-DNA position 534, G replaced by A.
Protein change: p.Gly178=; no amino-acid change (glycine 178 retained).
Molecular consequence: synonymous variant.
Genome position (GRCh38, 1-based): chr16:56,971,039, G>A. VCF-style: chr16-56971039-G-A. GRCh37 (hg19) VCF-style: chr16-57004951-G-A.
Other names: p.Gly178=; c.534G>A, p.Gly178= (NM_001286085.2).
Identifiers: ClinVar variation 319980 (VCV000319980.16), dbSNP rs34611098, ClinGen allele CA8070980.
Genomic context (GRCh38, chr16:56,971,039, plus strand): 5'-TCCATGGATGCACAGGACTGGTCAGGGGCTCATTGTGGTGCTTGCTGCCTTCAGGCCTGG[G>A]TGGATCAAGCAGCTGTTCACAAATTTCATCTCCTTCACCCTGAAGCTGGTCCTGAAGGGA-3'
Protein context (NP_000069.2, residues 168-188): LLHLQGEREP[Gly178=]WIKQLFTNFI